The following is an entry in ClinVar:

ClinVar aggregate classification (germline): Uncertain significance (1 of 4 stars; one submission).

Conditions:
Inborn genetic diseases. Identifiers: MedGen C0950123, MeSH D030342.

Submission:

Ambry Genetics
Classification: Uncertain significance for Inborn genetic diseases. Last evaluated: 2026-05-19. Review status: criteria provided, single submitter. Criteria: Ambry Variant Classification Scheme 2023. Collection method: clinical testing. Allele origin: germline.
Comment: The p.A328D variant (also known as c.983C>A), located in coding exon 5 of the RECQL4 gene, results from a C to A substitution at nucleotide position 983. The alanine at codon 328 is replaced by aspartic acid, an amino acid with dissimilar properties. This amino acid position is conserved. In addition, this alteration is predicted to be tolerated by in silico analysis. Based on the available evidence, the clinical significance of this variant remains unclear.

NM_004260.4(RECQL4):c.983C>A (p.Ala328Asp)

Gene: RECQL4 (RecQ like helicase 4; minus strand). Cytogenetic location: 8q24.3.
Variant type: single nucleotide variant.
Coding change: c.983C>A on transcript NM_004260.4 (MANE Select); coding-DNA position 983, C replaced by A.
Protein change: p.Ala328Asp; replaces alanine 328 with aspartic acid.
Molecular consequence: missense variant. On other transcripts: 5 prime UTR variant (16), non-coding transcript variant (3), intron variant (3).
Genome position (GRCh38, 1-based): chr8:144,516,136, G>T on the plus strand (C>A on the coding strand, the complement: RECQL4 is on the minus strand). VCF-style: chr8-144516136-G-T. GRCh37 (hg19) VCF-style: chr8-145741520-G-T.
Other names: c.-89C>A (NM_001413042.1, NM_001413035.1, NM_001413037.1 and 7 more transcripts); c.-358C>A (NM_001413043.1); c.953+30C>A (NM_001413017.1, NM_001413020.1); c.-23+30C>A (NM_001413034.1); c.983C>A, p.Ala328Asp (NM_001413036.1, NM_001413039.1, NM_001413018.1 and 2 more transcripts); c.-151C>A (NM_001413041.1, NM_001413027.1, NM_001413030.1 and 2 more transcripts); c.854C>A, p.Ala285Asp (NM_001413025.1); c.632C>A, p.Ala211Asp (NM_001413029.1); short protein forms A211D, A285D, A328D.
Identifiers: ClinVar variation 4863196 (VCV004863196.1).
Genomic context (GRCh38, chr8:144,516,136, plus strand): 5'-TGGCGGGCCAGCCGAGGGAAGATGTGCAGGGGGGCTGTGCCCTCAGCCTTCCCAGCCCTA[G>T]CTTGACTGGAGGGGCTGAGTCCGTGGTACCTGGGGTTCGATGGGCTGCTGCAGGGCTGAG-3'
Protein context (NP_004251.4, residues 318-338): RYHGLSPSSQ[Ala328Asp]RAGKAEGTAP